The following is an entry in ClinVar:

ClinVar aggregate classification (germline): Uncertain significance. Review status: criteria provided, multiple submitters, no conflicts (2 of 4 stars). 2 submissions from 2 submitters: Uncertain significance (2). Last evaluated 2025-11-27.

Conditions:
BEST1-related disorder. Also called: BEST1-related disorders; BEST1-related condition. Identifiers: MedGen CN239200.

Allele frequency attached by ClinVar (database versions not stated): gnomAD exomes below 0.00001; ExAC 0.00001.
gnomAD v4.1: 49 of 1,613,902 alleles (0.003%); highest among the groups gnomAD compares: Non-Finnish European, 0.004%; no homozygotes.

Submissions (2):

PreventionGenetics, part of Exact Sciences
Classification: Uncertain significance for BEST1-related condition. Last evaluated: 2025-11-27. Review status: criteria provided, single submitter. Criteria: ACMG Guidelines, 2015. Collection method: clinical testing. Allele origin: germline.
Comment: The BEST1 c.637-3C>A variant is predicted to interfere with splicing. To our knowledge, this variant has not been reported in the literature. This variant is reported in 0.00088% of alleles in individuals of European (Non-Finnish) descent in gnomAD. At this time, the clinical significance of this variant is uncertain due to the absence of conclusive functional and genetic evidence.

Labcorp Genetics (formerly Invitae), Labcorp
Classification: Uncertain significance. Last evaluated: 2022-11-10. Review status: criteria provided, single submitter. Criteria: Invitae Variant Classification Sherloc (09022015). Collection method: clinical testing. Allele origin: germline.
Comment: This sequence change falls in intron 5 of the BEST1 gene. It does not directly change the encoded amino acid sequence of the BEST1 protein. It affects a nucleotide within the consensus splice site. In summary, the available evidence is currently insufficient to determine the role of this variant in disease. Therefore, it has been classified as a Variant of Uncertain Significance. Variants that disrupt the consensus splice site are a relatively common cause of aberrant splicing (PMID: 17576681, 9536098). Algorithms developed to predict the effect of sequence changes on RNA splicing suggest that this variant is not likely to affect RNA splicing. ClinVar contains an entry for this variant (Variation ID: 1383752). This variant has not been reported in the literature in individuals affected with BEST1-related conditions. This variant is present in population databases (rs558768495, gnomAD 0.0009%).

Literature cited by the submitters: PubMed 17576681 (cited by Labcorp Genetics (formerly Invitae), Labcorp); PubMed 9536098 (cited by Labcorp Genetics (formerly Invitae), Labcorp).

NM_004183.4(BEST1):c.637-3C>A

Gene: BEST1 (bestrophin 1; plus strand). Cytogenetic location: 11q12.3.
Variant type: single nucleotide variant.
Coding change: c.637-3C>A on transcript NM_004183.4 (MANE Select); 3 bases into the intron before coding-DNA position 637, C replaced by A.
Molecular consequence: intron variant.
Genome position (GRCh38, 1-based): chr11:61,957,384, C>A. VCF-style: chr11-61957384-C-A. GRCh37 (hg19) VCF-style: chr11-61724856-C-A.
Other names: c.637-3C>A (NM_004183.3, NM_001363592.2, NM_001440571.1 and 2 more transcripts); c.457-3C>A (NM_001139443.3, NM_001300787.2, NM_001440574.1 and 3 more transcripts); c.-539-3C>A (NM_001363593.3); c.319-3C>A (NM_001363591.3).
Identifiers: ClinVar variation 1383752 (VCV001383752.7), dbSNP rs558768495, ClinGen allele CA6040810.